The following is an entry in ClinVar:

ClinVar aggregate classification (germline): Likely benign. Review status: criteria provided, multiple submitters, no conflicts (2 of 4 stars). 2 submissions from 2 submitters: Likely benign (2). Last evaluated 2025-02-06.

Conditions:
Glycogen storage disease, type V (GSD5). Also called: McArdle type glycogen storage disease; MCARDLE DISEASE; MUSCLE GLYCOGEN PHOSPHORYLASE DEFICIENCY; MYOPHOSPHORYLASE DEFICIENCY; PYGM DEFICIENCY. Identifiers: Orphanet 368, MedGen C0017924, MONDO:0009293, OMIM 232600.

Submissions (2):

Labcorp Genetics (formerly Invitae), Labcorp
Classification: Likely benign for Glycogen storage disease, type V. Last evaluated: 2025-02-06. Review status: criteria provided, single submitter. Criteria: Invitae Variant Classification Sherloc (09022015). Collection method: clinical testing. Allele origin: germline.

GeneDx
Classification: Likely benign. Last evaluated: 2017-04-07. Review status: criteria provided, single submitter. Criteria: GeneDx Variant Classification (06012015). Collection method: clinical testing. Allele origin: germline. Affected: yes.
Comment: This variant is considered likely benign or benign based on one or more of the following criteria: it is a conservative change, it occurs at a poorly conserved position in the protein, it is predicted to be benign by multiple in silico algorithms, and/or has population frequency not consistent with disease.

NM_005609.4(PYGM):c.2312+13_2312+50del

Gene: PYGM (glycogen phosphorylase, muscle associated; minus strand). Cytogenetic location: 11q13.1.
Variant type: Deletion.
Coding change: c.2312+13_2312+50del on transcript NM_005609.4 (MANE Select); bases 13 to 50 of the intron after coding-DNA position 2312, 38 bases deleted.
Molecular consequence: intron variant.
Genome position (GRCh38, 1-based): chr11:64,747,174-64,747,211, 38 bases deleted; deleting any 38 consecutive bases within chr11:64,747,174-64,747,212 gives the same sequence; the c. name uses the placement nearest the transcript's 3' end. GRCh37 (hg19): chr11:64,514,647-64,514,684.
Other names: c.2048+13_2048+50del (NM_001164716.1).
Identifiers: ClinVar variation 508813 (VCV000508813.4), dbSNP rs1555133408, ClinGen allele CA658797677.
Genomic context (GRCh38, chr11:64,747,173, plus strand): 5'-AAGGCGCCTGGCTCCAACTACCAGGACCCGCGTCCGGCTTCCCCACCACACACCTGAGCC[TCGATCTGCCCTGCGGCCCCACCTGAGTGATTCCCGGGC>T]CAACCAGCTCACCGGTCATGGTGCATGAGCATATTGACAATGTCCTTGAACAGGTCGGGC-3'